The following is an entry in ClinVar:

NM_003620.4(PPM1D):c.134T>A (p.Leu45Gln)

Gene: PPM1D (protein phosphatase, Mg2+/Mn2+ dependent 1D; plus strand). Cytogenetic location: 17q23.2.
Variant type: single nucleotide variant.
Coding change: c.134T>A on transcript NM_003620.4 (MANE Select); coding-DNA position 134, T replaced by A.
Protein change: p.Leu45Gln; replaces leucine 45 with glutamine.
Molecular consequence: missense variant.
Genome position (GRCh38, 1-based): chr17:60,600,548, T>A. VCF-style: chr17-60600548-T-A. GRCh37 (hg19) VCF-style: chr17-58677909-T-A.
Other names: short protein forms L45Q.
Identifiers: ClinVar variation 3067772 (VCV003067772.21), dbSNP rs1433961136, ClinGen allele CA400452821.

ClinVar aggregate classification (germline): Uncertain significance (1 of 4 stars; one submission).

Submission:

CeGaT Center for Human Genetics Tuebingen
Classification: Uncertain significance. Last evaluated: 2024-03-01. Review status: criteria provided, single submitter. Criteria: CeGaT Center For Human Genetics Tuebingen Variant Classification Criteria Version 2. Collection method: clinical testing. Allele origin: germline. Affected: yes. Observed: 1 variant allele.
Comment: PPM1D: PM2, PP2, BP4